The following is an entry in ClinVar:

NM_018139.3(DNAAF2):c.964C>T (p.Leu322Phe)

Gene: DNAAF2 (dynein axonemal assembly factor 2; minus strand). Cytogenetic location: 14q21.3.
Variant type: single nucleotide variant.
Coding change: c.964C>T on transcript NM_018139.3 (MANE Select); coding-DNA position 964, C replaced by T.
Protein change: p.Leu322Phe; replaces leucine 322 with phenylalanine.
Molecular consequence: missense variant.
Genome position (GRCh38, 1-based): chr14:49,634,186, G>A on the plus strand (C>T on the coding strand, the complement: DNAAF2 is on the minus strand). VCF-style: chr14-49634186-G-A. GRCh37 (hg19) VCF-style: chr14-50100904-G-A.
Other names: c.964C>T, p.Leu322Phe (NM_001083908.2); short protein forms L322F.
Identifiers: ClinVar variation 4798776 (VCV004798776.1).

ClinVar aggregate classification (germline): Uncertain significance (1 of 4 stars; one submission).

Conditions:
Primary ciliary dyskinesia. Also called: Ciliary dyskinesia. Identifiers: Orphanet 244, MedGen C0008780, MONDO:0016575, HP:0012265.

Submission:

Labcorp Genetics (formerly Invitae), Labcorp
Classification: Uncertain significance for Primary ciliary dyskinesia. Last evaluated: 2025-08-04. Review status: criteria provided, single submitter. Criteria: Invitae Variant Classification Sherloc (09022015). Collection method: clinical testing. Allele origin: germline.
Comment: This sequence change replaces leucine, which is neutral and non-polar, with phenylalanine, which is neutral and non-polar, at codon 322 of the DNAAF2 protein (p.Leu322Phe). This variant is not present in population databases (gnomAD no frequency). This variant has not been reported in the literature in individuals affected with DNAAF2-related conditions. Invitae Evidence Modeling of protein sequence and biophysical properties (such as structural, functional, and spatial information, amino acid conservation, physicochemical variation, residue mobility, and thermodynamic stability) indicates that this missense variant is expected to disrupt DNAAF2 protein function with a positive predictive value of 80%. In summary, the available evidence is currently insufficient to determine the role of this variant in disease. Therefore, it has been classified as a Variant of Uncertain Significance.